The following is an entry in ClinVar:

ClinVar aggregate classification (germline): Pathogenic (1 of 4 stars; one submission).

Conditions:
3-hydroxy-3-methylglutaryl-CoA synthase deficiency (HMGCS2D). Also called: HMG-CoA synthase-2 deficiency; HMGCS2 DEFICIENCY; MITOCHONDRIAL HMG-CoA SYNTHASE DEFICIENCY. Identifiers: Orphanet 35701, MedGen C2751532, MONDO:0011614, OMIM 605911.

Allele frequency attached by ClinVar (database versions not stated): gnomAD exomes below 0.00001; gnomAD 0.00001 and 0.00002; TOPMed 0.00001; ExAC 0.00002; 1000 Genomes Project 0.00040; 1000 Genomes Project 30x 0.00047.

Submissions (2):

Labcorp Genetics (formerly Invitae), Labcorp
Classification: Pathogenic for 3-hydroxy-3-methylglutaryl-CoA synthase deficiency. Last evaluated: 2024-01-15. Review status: criteria provided, single submitter. Criteria: Invitae Variant Classification Sherloc (09022015). Collection method: clinical testing. Allele origin: germline.
Comment: This sequence change affects a donor splice site in intron 2 of the HMGCS2 gene. It is expected to disrupt RNA splicing. Variants that disrupt the donor or acceptor splice site typically lead to a loss of protein function (PMID: 16199547), and loss-of-function variants in HMGCS2 are known to be pathogenic (PMID: 20346956, 23751782, 25511235). This variant is present in population databases (rs587603096, gnomAD 0.006%). Disruption of this splice site has been observed in individuals with HMG-CoA synthase deficiency (Invitae). ClinVar contains an entry for this variant (Variation ID: 859738). Algorithms developed to predict the effect of sequence changes on RNA splicing suggest that this variant may disrupt the consensus splice site. For these reasons, this variant has been classified as Pathogenic.

Dr. Peter K. Rogan Lab, Western University
No classification provided (evidence only). Condition: Colon adenocarcinoma. Review status: no classification provided. Collection method: in vitro. Allele origin: not applicable. Functional consequence: retained intron. Not counted in ClinVar's aggregate classification.

Literature cited by the submitters: PubMed 16199547 (cited by Labcorp Genetics (formerly Invitae), Labcorp); PubMed 20346956 (cited by Labcorp Genetics (formerly Invitae), Labcorp); PubMed 23751782 (cited by Labcorp Genetics (formerly Invitae), Labcorp); PubMed 25511235 (cited by Labcorp Genetics (formerly Invitae), Labcorp).

NM_005518.4(HMGCS2):c.559+1G>A

Gene: HMGCS2 (3-hydroxy-3-methylglutaryl-CoA synthase 2; minus strand). Cytogenetic location: 1p12.
Variant type: single nucleotide variant.
Coding change: c.559+1G>A on transcript NM_005518.4 (MANE Select); the canonical splice donor site of the intron after coding-DNA position 559, G replaced by A.
Molecular consequence: splice donor variant.
Genome position (GRCh38, 1-based): chr1:119,764,171, C>T on the plus strand (G>A on the coding strand, the complement: HMGCS2 is on the minus strand). VCF-style: chr1-119764171-C-T. GRCh37 (hg19) VCF-style: chr1-120306794-C-T.
Other names: c.559+1G>A (NM_001166107.1).
Identifiers: ClinVar variation 859738 (VCV000859738.12), dbSNP rs587603096, ClinGen allele CA1037871.